The following is an entry in ClinVar:

NM_004656.4(BAP1):c.1452del (p.Ser485fs)

Gene: BAP1 (BRCA1 associated deubiquitinase 1; minus strand). Cytogenetic location: 3p21.1.
Variant type: Deletion.
Coding change: c.1452del on transcript NM_004656.4 (MANE Select); coding-DNA position 1452, one base deleted (C; older notation c.1452delC).
Protein change: p.Ser485fs; shifts the reading frame from serine 485.
Molecular consequence: frameshift variant.
Genome position (GRCh38, 1-based): chr3:52,403,693, G deleted on the plus strand (C on the coding strand, the reverse complement: BAP1 is on the minus strand); the first of 3 consecutive G bases (chr3:52,403,693-52,403,695); deleting any one gives the same sequence. VCF-style (leftmost placement, unchanged base first): chr3-52403692-AG-A. GRCh37 (hg19) VCF-style: chr3-52437708-AG-A.
Other names: c.1398del, p.Ser467fs (NM_001410772.1); c.1452delC (NM_004656.2); short protein forms S485fs, S467fs.
Identifiers: ClinVar variation 3260392 (VCV003260392.1).

ClinVar aggregate classification (germline): Pathogenic (1 of 4 stars; one submission).

Conditions:
Hereditary cancer-predisposing syndrome. Also called: Hereditary Cancer Syndrome; Tumor predisposition; Hereditary neoplastic syndrome; Neoplastic Syndromes, Hereditary. Identifiers: Orphanet 140162, MedGen C0027672, MeSH D009386, MONDO:0015356.

Submission:

Ambry Genetics
Classification: Pathogenic for Hereditary cancer-predisposing syndrome. Last evaluated: 2024-06-06. Review status: criteria provided, single submitter. Criteria: Ambry Variant Classification Scheme 2023. Collection method: clinical testing. Allele origin: germline.
Comment: The c.1452delC pathogenic mutation, located in coding exon 13 of the BAP1 gene, results from a deletion of one nucleotide at nucleotide position 1452, causing a translational frameshift with a predicted alternate stop codon (p.S485Hfs*86). This variant is considered to be rare based on population cohorts in the Genome Aggregation Database (gnomAD). This alteration is expected to result in loss of function by premature protein truncation or nonsense-mediated mRNA decay. As such, this alteration is interpreted as a disease-causing mutation.